The following is an entry in ClinVar:

NM_020461.4(TUBGCP6):c.2472C>A (p.Ser824Arg)

Gene: TUBGCP6 (tubulin gamma complex component 6; minus strand). Cytogenetic location: 22q13.33.
Variant type: single nucleotide variant.
Coding change: c.2472C>A on transcript NM_020461.4 (MANE Select); coding-DNA position 2472, C replaced by A.
Protein change: p.Ser824Arg; replaces serine 824 with arginine.
Molecular consequence: missense variant.
Genome position (GRCh38, 1-based): chr22:50,222,040, G>T on the plus strand (C>A on the coding strand, the complement: TUBGCP6 is on the minus strand). VCF-style: chr22-50222040-G-T. GRCh37 (hg19) VCF-style: chr22-50660469-G-T.
Other names: short protein forms S824R.
Identifiers: ClinVar variation 1004979 (VCV001004979.8), dbSNP rs373716081, ClinGen allele CA412098358.

ClinVar aggregate classification (germline): Uncertain significance (1 of 4 stars; one submission).

Submission:

Labcorp Genetics (formerly Invitae), Labcorp
Classification: Uncertain significance. Last evaluated: 2025-03-31. Review status: criteria provided, single submitter. Criteria: Invitae Variant Classification Sherloc (09022015). Collection method: clinical testing. Allele origin: germline.
Comment: This sequence change replaces serine, which is neutral and polar, with arginine, which is basic and polar, at codon 824 of the TUBGCP6 protein (p.Ser824Arg). This variant is not present in population databases (gnomAD no frequency). This variant has not been reported in the literature in individuals affected with TUBGCP6-related conditions. ClinVar contains an entry for this variant (Variation ID: 1004979). An algorithm developed to predict the effect of missense changes on protein structure and function outputs the following: PolyPhen-2: "Benign". The arginine amino acid residue is found in multiple mammalian species, which suggests that this missense change does not adversely affect protein function. In summary, the available evidence is currently insufficient to determine the role of this variant in disease. Therefore, it has been classified as a Variant of Uncertain Significance.